The following is an entry in ClinVar:

ClinVar aggregate classification (germline): Uncertain significance. Review status: criteria provided, multiple submitters, no conflicts (2 of 4 stars). 2 submissions from 2 submitters: Uncertain significance (2). Last evaluated 2024-08-29.

Conditions:
Epidermolysis bullosa simplex with nail dystrophy (EBS5D). Identifiers: MedGen C4225309, MONDO:0014661, OMIM 616487.
Epidermolysis bullosa simplex 5B, with muscular dystrophy (EBS5B). Also called: EPIDERMOLYSIS BULLOSA SIMPLEX AND LIMB-GIRDLE MUSCULAR DYSTROPHY; Epidermolysis bullosa simplex with muscular dystrophy. Identifiers: Orphanet 257, MedGen C2931072, MONDO:0009181, OMIM 226670.
Epidermolysis bullosa simplex, Ogna type (EBS5A). Also called: Pidermolysis bullosa simplex 5A, Ogna type; EPIDERMOLYSIS BULLOSA SIMPLEX 5A, OGNA TYPE. Identifiers: Orphanet 79401, MedGen C0432317, MONDO:0007555, OMIM 131950.
Autosomal recessive limb-girdle muscular dystrophy type 2Q (LGMDR17). Also called: MUSCULAR DYSTROPHY, LIMB-GIRDLE, AUTOSOMAL RECESSIVE 17. Identifiers: Orphanet 254361, MedGen C3150989, MONDO:0013390, OMIM 613723.
Epidermolysis bullosa simplex 5C, with pyloric atresia (EBS5C). Also called: Epidermolysis bullosa simplex with pyloric atresia; PLEC-Related Epidermolysis Bullosa with Pyloric Atresia; PLEC1-Related Epidermolysis Bullosa with Pyloric Atresia. Identifiers: Orphanet 158684, MedGen C2677349, MONDO:0012807, OMIM 612138.
Inborn genetic diseases. Identifiers: MedGen C0950123, MeSH D030342.

Allele frequency attached by ClinVar (database versions not stated): TOPMed 0.00002; gnomAD 0.00003; ESP Exome Variant Server 0.00008; ExAC 0.00014.
gnomAD v4.1: 122 of 1,609,112 alleles (0.0076%); highest among the groups gnomAD compares: South Asian, 0.096%; 2 homozygotes.

Submissions (2):

Labcorp Genetics (formerly Invitae), Labcorp
Classification: Uncertain significance for Autosomal recessive limb-girdle muscular dystrophy type 2Q; Epidermolysis bullosa simplex, Ogna type; Epidermolysis bullosa simplex with nail dystrophy; Epidermolysis bullosa simplex 5C, with pyloric atresia; Epidermolysis bullosa simplex 5B, with muscular dystrophy. Last evaluated: 2024-08-29. Review status: criteria provided, single submitter. Criteria: Invitae Variant Classification Sherloc (09022015). Collection method: clinical testing. Allele origin: germline.
Comment: This sequence change replaces aspartic acid, which is acidic and polar, with asparagine, which is neutral and polar, at codon 3020 of the PLEC protein (p.Asp3020Asn). This variant is present in population databases (rs372847372, gnomAD 0.09%). This variant has not been reported in the literature in individuals affected with PLEC-related conditions. ClinVar contains an entry for this variant (Variation ID: 2158780). Invitae Evidence Modeling of protein sequence and biophysical properties (such as structural, functional, and spatial information, amino acid conservation, physicochemical variation, residue mobility, and thermodynamic stability) indicates that this missense variant is not expected to disrupt PLEC protein function with a negative predictive value of 80%. In summary, the available evidence is currently insufficient to determine the role of this variant in disease. Therefore, it has been classified as a Variant of Uncertain Significance.

Ambry Genetics
Classification: Uncertain significance for Inborn genetic diseases. Last evaluated: 2024-04-19. Review status: criteria provided, single submitter. Criteria: Ambry Variant Classification Scheme 2023. Collection method: clinical testing. Allele origin: germline.

NM_201384.3(PLEC):c.8977G>A (p.Asp2993Asn)

Gene: PLEC (plectin; minus strand). Cytogenetic location: 8q24.3.
Variant type: single nucleotide variant.
Coding change: c.8977G>A on transcript NM_201384.3 (MANE Select); coding-DNA position 8977, G replaced by A.
Protein change: p.Asp2993Asn; replaces aspartic acid 2993 with asparagine.
Molecular consequence: missense variant.
Genome position (GRCh38, 1-based): chr8:143,920,844, C>T on the plus strand (G>A on the coding strand, the complement: PLEC is on the minus strand). VCF-style: chr8-143920844-C-T. GRCh37 (hg19) VCF-style: chr8-144995012-C-T.
Other names: c.9058G>A, p.Asp3020Asn (NM_000445.5); c.5677G>A, p.Asp1893Asn (NM_001410941.1); c.8935G>A, p.Asp2979Asn (NM_201378.4); c.8911G>A, p.Asp2971Asn (NM_201379.3); c.9388G>A, p.Asp3130Asn (NM_201380.4); c.8881G>A, p.Asp2961Asn (NM_201381.3); c.8977G>A, p.Asp2993Asn (NM_201382.4); c.8989G>A, p.Asp2997Asn (NM_201383.3); and 1 more; short protein forms D2961N, D2993N, D3020N, D3130N, D1893N, D2979N, D2997N, D2971N.
Identifiers: ClinVar variation 2158780 (VCV002158780.5), dbSNP rs372847372, ClinGen allele CA4925122.